The following is an entry in ClinVar:

NM_014967.5(FAN1):c.80C>T (p.Ser27Phe)

Gene: FAN1 (FANCD2 and FANCI associated nuclease 1; plus strand). Cytogenetic location: 15q13.3.
Variant type: single nucleotide variant.
Coding change: c.80C>T on transcript NM_014967.5 (MANE Select); coding-DNA position 80, C replaced by T.
Protein change: p.Ser27Phe; replaces serine 27 with phenylalanine.
Molecular consequence: missense variant.
Genome position (GRCh38, 1-based): chr15:30,904,743, C>T. VCF-style: chr15-30904743-C-T. GRCh37 (hg19) VCF-style: chr15-31196946-C-T.
Other names: c.80C>T, p.Ser27Phe (NM_001146094.2, NM_001146095.1, NM_001146096.2); c.80C>T (NM_014967.4); short protein forms S27F.
Identifiers: ClinVar variation 1358238 (VCV001358238.7), dbSNP rs139353520, ClinGen allele CA7449975.

ClinVar aggregate classification (germline): Uncertain significance. Review status: criteria provided, multiple submitters, no conflicts (2 of 4 stars). 3 submissions from 3 submitters: Uncertain significance (2). 1 of the submissions does not count toward it. Last evaluated 2024-05-07.

Conditions:
FAN1-related disorder. Also called: FAN1-related condition.
Karyomegalic interstitial nephritis. Identifiers: Orphanet 401996, MedGen C3553774, MONDO:0013898, OMIM 614817.

Allele frequency attached by ClinVar (database versions not stated): gnomAD exomes 0.00010; ExAC 0.00012; 1000 Genomes Project 30x 0.00016; 1000 Genomes Project 0.00020; gnomAD 0.00041 and 0.00044; TOPMed 0.00048; ESP Exome Variant Server 0.00092.
gnomAD v4.1: 132 of 1,612,280 alleles (0.0082%); highest among the groups gnomAD compares: African/African-American, 0.16%; 1 homozygote.

Submissions (3):

Fulgent Genetics
Classification: Uncertain significance for Karyomegalic interstitial nephritis. Last evaluated: 2024-05-07. Review status: criteria provided, single submitter. Criteria: ACMG Guidelines, 2015. Collection method: clinical testing. Allele origin: germline.

Labcorp Genetics (formerly Invitae), Labcorp
Classification: Uncertain significance. Last evaluated: 2022-07-19. Review status: criteria provided, single submitter. Criteria: Invitae Variant Classification Sherloc (09022015). Collection method: clinical testing. Allele origin: germline.
Comment: In summary, the available evidence is currently insufficient to determine the role of this variant in disease. Therefore, it has been classified as a Variant of Uncertain Significance. Algorithms developed to predict the effect of missense changes on protein structure and function (SIFT, PolyPhen-2, Align-GVGD) all suggest that this variant is likely to be tolerated. ClinVar contains an entry for this variant (Variation ID: 1358238). This variant has not been reported in the literature in individuals affected with FAN1-related conditions. This variant is present in population databases (rs139353520, gnomAD 0.1%). This sequence change replaces serine, which is neutral and polar, with phenylalanine, which is neutral and non-polar, at codon 27 of the FAN1 protein (p.Ser27Phe).

PreventionGenetics, part of Exact Sciences
Classification: Uncertain significance for FAN1-related condition. Last evaluated: 2024-02-20. Review status: no assertion criteria provided. Collection method: clinical testing. Allele origin: germline. Not counted in ClinVar's aggregate classification.
Comment: The FAN1 c.80C>T variant is predicted to result in the amino acid substitution p.Ser27Phe. To our knowledge, this variant has not been reported in the literature. This variant is reported in 0.13% of alleles in individuals of African descent in gnomAD and is listed in ClinVar as uncertain. Although we suspect that this variant may be benign, at this time, the clinical significance of this variant is uncertain due to the absence of conclusive functional and genetic evidence.